The following is an entry in ClinVar:

ClinVar aggregate classification (germline): Benign. Review status: criteria provided, multiple submitters, no conflicts (2 of 4 stars). 2 submissions from 2 submitters: Benign (2). Last evaluated 2018-06-14.

Allele frequency attached by ClinVar (database versions not stated): 1000 Genomes Project 30x 0.05871; 1000 Genomes Project 0.06130.
gnomAD v4.1: 8,382 of 152,322 alleles (5.5%); highest among the groups gnomAD compares: East Asian, 12%; 277 homozygotes.

Submissions (2):

GeneDx
Classification: Benign. Last evaluated: 2018-06-14. Review status: criteria provided, single submitter. Criteria: GeneDx Variant Classification (06012015). Collection method: clinical testing. Allele origin: germline. Affected: yes.
Comment: This variant is considered likely benign or benign based on one or more of the following criteria: it is a conservative change, it occurs at a poorly conserved position in the protein, it is predicted to be benign by multiple in silico algorithms, and/or has population frequency not consistent with disease.

Breakthrough Genomics
Classification: Benign. Review status: criteria provided, single submitter. Criteria: ACMG Guidelines, 2015. Collection method: not provided. Allele origin: germline. Inheritance: Autosomal dominant inheritance. Affected: yes.

NM_000093.5(COL5A1):c.2485-191C>A

Gene: COL5A1 (collagen type V alpha 1 chain; plus strand). Cytogenetic location: 9q34.3.
Variant type: single nucleotide variant.
Coding change: c.2485-191C>A on transcript NM_000093.5 (MANE Select); 191 bases into the intron before coding-DNA position 2485, C replaced by A.
Molecular consequence: intron variant.
Genome position (GRCh38, 1-based): chr9:134,784,798, C>A. VCF-style: chr9-134784798-C-A. GRCh37 (hg19) VCF-style: chr9-137676644-C-A.
Other names: c.2485-191C>A (NM_001278074.1).
Identifiers: ClinVar variation 674677 (VCV000674677.2), dbSNP rs7855838, ClinGen allele CA201104992.